The following is an entry in ClinVar:

ClinVar aggregate classification (germline): Uncertain significance. Review status: criteria provided, multiple submitters, no conflicts (2 of 4 stars). 2 submissions from 2 submitters: Uncertain significance (2). Last evaluated 2023-07-27.

Conditions:
Spondyloenchondrodysplasia with immune dysregulation (SPENCDI). Also called: ROIFMAN IMMUNOSKELETAL SYNDROME; SPONDYLOENCHONDRODYSPLASIA WITH OR WITHOUT IMMUNE DYSREGULATION; COMBINED IMMUNODEFICIENCY WITH AUTOIMMUNITY AND SPONDYLOMETAPHYSEAL DYSPLASIA. Identifiers: Orphanet 1855, MedGen C1842763, MONDO:0011939, OMIM 607944.

Allele frequency attached by ClinVar (database versions not stated): TOPMed 0.00001; gnomAD 0.00002 and 0.00003.
gnomAD v4.1: 45 of 1,613,942 alleles (0.0028%); highest among the groups gnomAD compares: South Asian, 0.0066%; no homozygotes.

Submissions (2):

Labcorp Genetics (formerly Invitae), Labcorp
Classification: Uncertain significance for Spondyloenchondrodysplasia with immune dysregulation. Last evaluated: 2023-07-27. Review status: criteria provided, single submitter. Criteria: Invitae Variant Classification Sherloc (09022015). Collection method: clinical testing. Allele origin: germline.
Comment: This variant is present in population databases (no rsID available, gnomAD 0.01%). This sequence change replaces arginine, which is basic and polar, with cysteine, which is neutral and slightly polar, at codon 97 of the ACP5 protein (p.Arg97Cys). This variant has not been reported in the literature in individuals affected with ACP5-related conditions. ClinVar contains an entry for this variant (Variation ID: 1503624). Advanced modeling of protein sequence and biophysical properties (such as structural, functional, and spatial information, amino acid conservation, physicochemical variation, residue mobility, and thermodynamic stability) performed at Invitae indicates that this missense variant is not expected to disrupt ACP5 protein function. In summary, the available evidence is currently insufficient to determine the role of this variant in disease. Therefore, it has been classified as a Variant of Uncertain Significance.

Blueprint Genetics
Classification: Uncertain significance. Last evaluated: 2021-09-01. Review status: criteria provided, single submitter. Criteria: ACMG Guidelines, 2015. Collection method: clinical testing. Allele origin: germline.

NM_001611.5(ACP5):c.289C>T (p.Arg97Cys)

Gene: ACP5 (acid phosphatase 5, tartrate resistant; minus strand). Cytogenetic location: 19p13.2.
Variant type: single nucleotide variant.
Coding change: c.289C>T on transcript NM_001611.5 (MANE Select); coding-DNA position 289, C replaced by T.
Protein change: p.Arg97Cys; replaces arginine 97 with cysteine.
Molecular consequence: missense variant.
Genome position (GRCh38, 1-based): chr19:11,576,816, G>A on the plus strand (C>T on the coding strand, the complement: ACP5 is on the minus strand). VCF-style: chr19-11576816-G-A. GRCh37 (hg19) VCF-style: chr19-11687631-G-A.
Other names: c.289C>T, p.Arg97Cys (NM_001111034.3, NM_001111035.3, NM_001111036.3 and 1 more transcripts); short protein forms R97C.
Identifiers: ClinVar variation 1503624 (VCV001503624.7), dbSNP rs1231519014, ClinGen allele CA404148345.
Genomic context (GRCh38, chr19:11,576,816, plus strand): 5'-CATTGCCAAGGTGGTCATGGTTTCCGGCTAGCACGTACCAGGGCACTTTGCGAAGGGAGC[G>A]GTCAGAGAATACGTCCTCAAAGGTCTCCTGTAGCAAACAGATAGGGCAGGCCTCTTCCCT-3'
Protein context (NP_001602.1, residues 87-107): QETFEDVFSD[Arg97Cys]SLRKVPWYVL